The following is an entry in ClinVar:

NM_014049.5(ACAD9):c.1278+2T>G

Gene: ACAD9 (acyl-CoA dehydrogenase family member 9; plus strand). Cytogenetic location: 3q21.3.
Variant type: single nucleotide variant.
Coding change: c.1278+2T>G on transcript NM_014049.5 (MANE Select); the canonical splice donor site of the intron after coding-DNA position 1278, T replaced by G.
Molecular consequence: splice donor variant.
Genome position (GRCh38, 1-based): chr3:128,906,251, T>G. VCF-style: chr3-128906251-T-G. GRCh37 (hg19) VCF-style: chr3-128625094-T-G.
Other names: c.909+2T>G (NM_001410805.1).
Identifiers: ClinVar variation 3632241 (VCV003632241.2).

ClinVar aggregate classification (germline): Likely pathogenic (1 of 4 stars; one submission).

Submission:

Labcorp Genetics (formerly Invitae), Labcorp
Classification: Likely pathogenic. Last evaluated: 2024-02-06. Review status: criteria provided, single submitter. Criteria: Invitae Variant Classification Sherloc (09022015). Collection method: clinical testing. Allele origin: germline.
Comment: This sequence change affects a donor splice site in intron 12 of the ACAD9 gene. It is expected to disrupt RNA splicing. Variants that disrupt the donor or acceptor splice site typically lead to a loss of protein function (PMID: 16199547), and loss-of-function variants in ACAD9 are known to be pathogenic (PMID: 25721401). This variant is not present in population databases (gnomAD no frequency). This variant has not been reported in the literature in individuals affected with ACAD9-related conditions. Algorithms developed to predict the effect of sequence changes on RNA splicing suggest that this variant may disrupt the consensus splice site. In summary, the currently available evidence indicates that the variant is pathogenic, but additional data are needed to prove that conclusively. Therefore, this variant has been classified as Likely Pathogenic.

Literature cited by the submitters: PubMed 16199547; PubMed 25721401.